The following is an entry in ClinVar:

NM_000834.5(GRIN2B):c.3946G>A (p.Ala1316Thr)

Gene: GRIN2B (glutamate ionotropic receptor NMDA type subunit 2B; minus strand). Cytogenetic location: 12p13.1.
Variant type: single nucleotide variant.
Coding change: c.3946G>A on transcript NM_000834.5 (MANE Select); coding-DNA position 3946, G replaced by A.
Protein change: p.Ala1316Thr; replaces alanine 1316 with threonine.
Molecular consequence: missense variant.
Genome position (GRCh38, 1-based): chr12:13,563,292, C>T on the plus strand (G>A on the coding strand, the complement: GRIN2B is on the minus strand). VCF-style: chr12-13563292-C-T. GRCh37 (hg19) VCF-style: chr12-13716226-C-T.
Other names: short protein forms A1316T.
Identifiers: ClinVar variation 544231 (VCV000544231.8), dbSNP rs199803550, ClinGen allele CA6460813.

ClinVar aggregate classification (germline): Uncertain significance. Review status: criteria provided, multiple submitters, no conflicts (2 of 4 stars). 2 submissions from 2 submitters: Uncertain significance (2). Last evaluated 2023-09-27.

Conditions:
Intellectual developmental disorder, autosomal dominant 6, with or without seizures. Also called: Intellectual disability, autosomal dominant 6; GRIN2B-related developmental delay, intellectual disability and autism spectrum disorder. Identifiers: Orphanet 589547, MedGen C3151411, MONDO:0013509, OMIM 613970.
Developmental and epileptic encephalopathy, 27 (DEE27). Also called: Epileptic encephalopathy, early infantile, 27; GRIN2B-Related Neurodevelopmental Disorder. Identifiers: Orphanet 3451, MedGen C4015316, MONDO:0014505, OMIM 616139.

Allele frequency attached by ClinVar (database versions not stated): ExAC 0.00002; gnomAD exomes 0.00002.
gnomAD v4.1: 13 of 1,614,184 alleles (0.00081%); highest among the groups gnomAD compares: South Asian, 0.0055%; no homozygotes.

Submissions (2):

Blueprint Genetics
Classification: Uncertain significance. Last evaluated: 2023-09-27. Review status: criteria provided, single submitter. Criteria: ACMG Guidelines, 2015. Collection method: clinical testing. Allele origin: germline.

Labcorp Genetics (formerly Invitae), Labcorp
Classification: Uncertain significance for Developmental and epileptic encephalopathy, 27; Intellectual developmental disorder, autosomal dominant 6, with or without seizures. Last evaluated: 2022-01-15. Review status: criteria provided, single submitter. Criteria: Invitae Variant Classification Sherloc (09022015). Collection method: clinical testing. Allele origin: germline.
Comment: In summary, the available evidence is currently insufficient to determine the role of this variant in disease. Therefore, it has been classified as a Variant of Uncertain Significance. Advanced modeling of protein sequence and biophysical properties (such as structural, functional, and spatial information, amino acid conservation, physicochemical variation, residue mobility, and thermodynamic stability) performed at Invitae indicates that this missense variant is not expected to disrupt GRIN2B protein function. ClinVar contains an entry for this variant (Variation ID: 544231). This variant has not been reported in the literature in individuals affected with GRIN2B-related conditions. This variant is present in population databases (rs199803550, gnomAD 0.006%). This sequence change replaces alanine, which is neutral and non-polar, with threonine, which is neutral and polar, at codon 1316 of the GRIN2B protein (p.Ala1316Thr).